The following is an entry in ClinVar:

NM_007232.3(HRH3):c.306C>T (p.Phe102=)

Gene: HRH3 (histamine receptor H3; minus strand). Cytogenetic location: 20q13.33.
Variant type: single nucleotide variant.
Coding change: c.306C>T on transcript NM_007232.3 (MANE Select); coding-DNA position 306, C replaced by T.
Protein change: p.Phe102=; no amino-acid change (phenylalanine 102 retained).
Molecular consequence: synonymous variant.
Genome position (GRCh38, 1-based): chr20:62,218,602, G>A on the plus strand (C>T on the coding strand, the complement: HRH3 is on the minus strand). VCF-style: chr20-62218602-G-A. GRCh37 (hg19) VCF-style: chr20-60793658-G-A.
Identifiers: ClinVar variation 2652470 (VCV002652470.24), dbSNP rs201117959, ClinGen allele CA9938211.

ClinVar aggregate classification (germline): Likely benign (1 of 4 stars; one submission).

Allele frequency attached by ClinVar (database versions not stated): gnomAD exomes 0.00002; ExAC 0.00003; TOPMed 0.00008; gnomAD 0.00009.

Submission:

CeGaT Center for Human Genetics Tuebingen
Classification: Likely benign. Last evaluated: 2023-02-01. Review status: criteria provided, single submitter. Criteria: CeGaT Center For Human Genetics Tuebingen Variant Classification Criteria Version 2. Collection method: clinical testing. Allele origin: germline. Affected: yes. Observed: 1 variant allele.
Comment: HRH3: BP4, BP7